The following is an entry in ClinVar:

NM_015338.6(ASXL1):c.3748T>C (p.Ser1250Pro)

Gene: ASXL1 (ASXL transcriptional regulator 1; plus strand). Cytogenetic location: 20q11.21.
Variant type: single nucleotide variant.
Coding change: c.3748T>C on transcript NM_015338.6 (MANE Select); coding-DNA position 3748, T replaced by C.
Protein change: p.Ser1250Pro; replaces serine 1250 with proline.
Molecular consequence: missense variant.
Genome position (GRCh38, 1-based): chr20:32,436,460, T>C. VCF-style: chr20-32436460-T-C. GRCh37 (hg19) VCF-style: chr20-31024263-T-C.
Other names: c.3565T>C, p.Ser1189Pro (NM_001363734.1); short protein forms S1250P, S1189P.
Identifiers: ClinVar variation 2087386 (VCV002087386.5), dbSNP rs994602885, ClinGen allele CA313926359.
Genomic context (GRCh38, chr20:32,436,460, plus strand): 5'-GATTCCAAAGAGCAGTTCTCTTCCTTTAGTTGTGAAGATCAGAAGGAAGTCCGTGCTATG[T>C]CACAGGACAGTAATTCAAATGCTGCTCCAGGAAAGAGCCCAGGAGATCTTACTACCTCGA-3'
Protein context (NP_056153.2, residues 1240-1260): CEDQKEVRAM[Ser1250Pro]QDSNSNAAPG

ClinVar aggregate classification (germline): Uncertain significance. Review status: criteria provided, multiple submitters, no conflicts (2 of 4 stars). 2 submissions from 2 submitters: Uncertain significance (2). Last evaluated 2025-03-09.

Conditions:
Inborn genetic diseases. Identifiers: MedGen C0950123, MeSH D030342.

Allele frequency attached by ClinVar (database versions not stated): gnomAD exomes below 0.00001.
gnomAD v4.1: 2 of 1,614,144 alleles (0.00012%); highest among the groups gnomAD compares: Non-Finnish European, 0.00017%; no homozygotes.

Submissions (2):

Ambry Genetics
Classification: Uncertain significance for Inborn genetic diseases. Last evaluated: 2025-03-09. Review status: criteria provided, single submitter. Criteria: Ambry Variant Classification Scheme 2023. Collection method: clinical testing. Allele origin: germline.
Comment: The p.S1250P variant (also known as c.3748T>C), located in coding exon 13 of the ASXL1 gene, results from a T to C substitution at nucleotide position 3748. The serine at codon 1250 is replaced by proline, an amino acid with similar properties. This amino acid position is conserved. In addition, this alteration is predicted to be tolerated by in silico analysis. Based on the available evidence, the clinical significance of this variant remains unclear.

Labcorp Genetics (formerly Invitae), Labcorp
Classification: Uncertain significance. Last evaluated: 2024-10-16. Review status: criteria provided, single submitter. Criteria: Invitae Variant Classification Sherloc (09022015). Collection method: clinical testing. Allele origin: germline.
Comment: This sequence change replaces serine, which is neutral and polar, with proline, which is neutral and non-polar, at codon 1250 of the ASXL1 protein (p.Ser1250Pro). This variant is not present in population databases (gnomAD no frequency). This variant has not been reported in the literature in individuals affected with ASXL1-related conditions. ClinVar contains an entry for this variant (Variation ID: 2087386). An algorithm developed to predict the effect of missense changes on protein structure and function outputs the following: PolyPhen-2: "Benign". The proline amino acid residue is found in multiple mammalian species, which suggests that this missense change does not adversely affect protein function. In summary, the available evidence is currently insufficient to determine the role of this variant in disease. Therefore, it has been classified as a Variant of Uncertain Significance.